The following is an entry in ClinVar:

ClinVar aggregate classification (germline): Uncertain significance. Review status: criteria provided, multiple submitters, no conflicts (2 of 4 stars). 2 submissions from 2 submitters: Uncertain significance (2). Last evaluated 2024-01-29.

Conditions:
Hereditary cancer-predisposing syndrome. Also called: Neoplastic Syndromes, Hereditary; Tumor predisposition; Hereditary Cancer Syndrome; Hereditary neoplastic syndrome. Identifiers: Orphanet 140162, MedGen C0027672, MeSH D009386, MONDO:0015356.

Allele frequency attached by ClinVar (database versions not stated): TOPMed below 0.00001; gnomAD 0.00001.
gnomAD v4.1: 1 of 1,602,784 alleles (0.000062%); highest among the groups gnomAD compares: African/African-American, 0.0013%; no homozygotes.

Submissions (2):

Ambry Genetics
Classification: Uncertain significance for Hereditary cancer-predisposing syndrome. Last evaluated: 2024-01-29. Review status: criteria provided, single submitter. Criteria: Ambry Variant Classification Scheme 2023. Collection method: clinical testing. Allele origin: germline.
Comment: The p.K28T variant (also known as c.83A>C), located in coding exon 2 of the MRE11A gene, results from an A to C substitution at nucleotide position 83. The lysine at codon 28 is replaced by threonine, an amino acid with similar properties. This amino acid position is highly conserved in available vertebrate species. In addition, this alteration is predicted to be deleterious by in silico analysis. Since supporting evidence is limited at this time, the clinical significance of this alteration remains unclear.

Athena Diagnostics
Classification: Uncertain significance. Last evaluated: 2022-06-27. Review status: criteria provided, single submitter. Criteria: Athena Diagnostics Criteria. Collection method: clinical testing. Allele origin: unknown.

NM_005591.4(MRE11):c.83A>C (p.Lys28Thr)

Gene: MRE11 (MRE11 double strand break repair nuclease; minus strand). Cytogenetic location: 11q21.
Variant type: single nucleotide variant.
Coding change: c.83A>C on transcript NM_005591.4 (MANE Select); coding-DNA position 83, A replaced by C.
Protein change: p.Lys28Thr; replaces lysine 28 with threonine.
Molecular consequence: missense variant.
Genome position (GRCh38, 1-based): chr11:94,490,903, T>G on the plus strand (A>C on the coding strand, the complement: MRE11 is on the minus strand). VCF-style: chr11-94490903-T-G. GRCh37 (hg19) VCF-style: chr11-94224069-T-G.
Other names: c.83A>C, p.Lys28Thr (NM_001330347.2, NM_005590.4); short protein forms K28T.
Identifiers: ClinVar variation 230519 (VCV000230519.6), dbSNP rs876658611, ClinGen allele CA10579424.